The following is an entry in ClinVar:

NM_005732.4(RAD50):c.3227G>A (p.Gly1076Glu)

Gene: RAD50 (RAD50 double strand break repair protein; plus strand). Cytogenetic location: 5q31.1.
Variant type: single nucleotide variant.
Coding change: c.3227G>A on transcript NM_005732.4 (MANE Select); coding-DNA position 3227, G replaced by A.
Protein change: p.Gly1076Glu; replaces glycine 1076 with glutamic acid.
Molecular consequence: missense variant.
Genome position (GRCh38, 1-based): chr5:132,618,132, G>A. VCF-style: chr5-132618132-G-A. GRCh37 (hg19) VCF-style: chr5-131953824-G-A.
Other names: short protein forms G1076E.
Identifiers: ClinVar variation 1729138 (VCV001729138.2), dbSNP rs2479388356, ClinGen allele CA360964406.
Genomic context (GRCh38, chr5:132,618,132, plus strand): 5'-AACATCAGAAGTTGGAAGAGAACATAGACAATATAAAAAGAAATCATAATTTGGCATTAG[G>A]GCGACAGAAAGGTTATGAAGAAGAAATTATTCATTTTAAGAAAGAACTTCGAGAACCACA-3'
Protein context (NP_005723.2, residues 1066-1086): NIKRNHNLAL[Gly1076Glu]RQKGYEEEII

ClinVar aggregate classification (germline): Uncertain significance (1 of 4 stars; one submission).

Conditions:
Hereditary cancer-predisposing syndrome. Also called: Tumor predisposition; Neoplastic Syndromes, Hereditary; Hereditary Cancer Syndrome; Hereditary neoplastic syndrome. Identifiers: Orphanet 140162, MedGen C0027672, MeSH D009386, MONDO:0015356.

Allele frequency attached by ClinVar (database versions not stated): gnomAD exomes below 0.00001.

Submission:

Ambry Genetics
Classification: Uncertain significance for Hereditary cancer-predisposing syndrome. Last evaluated: 2017-12-04. Review status: criteria provided, single submitter. Criteria: Ambry Variant Classification Scheme 2023. Collection method: clinical testing. Allele origin: germline.
Comment: The p.G1076E variant (also known as c.3227G>A), located in coding exon 21 of the RAD50 gene, results from a G to A substitution at nucleotide position 3227. The glycine at codon 1076 is replaced by glutamic acid, an amino acid with similar properties. This amino acid position is highly conserved in available vertebrate species. In addition, this alteration is predicted to be deleterious by in silico analysis. Since supporting evidence is limited at this time, the clinical significance of this alteration remains unclear.